The following is an entry in ClinVar:

NM_005245.4(FAT1):c.13255G>A (p.Ala4419Thr)

Genes: FAT1 (FAT atypical cadherin 1; minus strand), LOC126807253 (BRD4-independent group 4 enhancer GRCh37_chr4:187509297-187510496; plus strand). Cytogenetic location: 4q35.2.
Variant type: single nucleotide variant.
Coding change: c.13255G>A on transcript NM_005245.4 (MANE Select); coding-DNA position 13255, G replaced by A.
Protein change: p.Ala4419Thr; replaces alanine 4419 with threonine.
Molecular consequence: missense variant.
Genome position (GRCh38, 1-based): chr4:186,589,104, C>T on the plus strand (G>A on the coding strand, the complement: FAT1 is on the minus strand). VCF-style: chr4-186589104-C-T. GRCh37 (hg19) VCF-style: chr4-187510258-C-T.
Other names: short protein forms A4419T.
Identifiers: ClinVar variation 2255552 (VCV002255552.5), dbSNP rs201847759, ClinGen allele CA3164575.

ClinVar aggregate classification (germline): Conflicting classifications of pathogenicity. Review status: criteria provided, conflicting classifications (1 of 4 stars). 3 submissions from 3 submitters: Uncertain significance (1); Likely benign (1). 1 of the submissions does not count toward it. Last evaluated 2025-07-30.

Conditions:
Inborn genetic diseases. Identifiers: MedGen C0950123, MeSH D030342.
FAT1-related disorder. Also called: FAT1-related condition.

Allele frequency attached by ClinVar (database versions not stated): gnomAD 0.00009; TOPMed 0.00011; gnomAD exomes 0.00014; ESP Exome Variant Server 0.00016; ExAC 0.00025.
gnomAD v4.1: 241 of 1,613,854 alleles (0.015%); highest among the groups gnomAD compares: Middle Eastern, 0.033%; no homozygotes.

Submissions (3):

Labcorp Genetics (formerly Invitae), Labcorp
Classification: Likely benign. Last evaluated: 2025-07-30. Review status: criteria provided, single submitter. Criteria: Invitae Variant Classification Sherloc (09022015). Collection method: clinical testing. Allele origin: germline.

Ambry Genetics
Classification: Uncertain significance for Inborn genetic diseases. Last evaluated: 2022-10-26. Review status: criteria provided, single submitter. Criteria: Ambry Variant Classification Scheme 2023. Collection method: clinical testing. Allele origin: germline.

PreventionGenetics, part of Exact Sciences
Classification: Likely benign for FAT1-related condition. Last evaluated: 2022-12-19. Review status: no assertion criteria provided. Collection method: clinical testing. Allele origin: germline. Not counted in ClinVar's aggregate classification.
Comment: This variant is classified as likely benign based on ACMG/AMP sequence variant interpretation guidelines (Richards et al. 2015 PMID: 25741868, with internal and published modifications).